The following is an entry in ClinVar:

NM_139276.3(STAT3):c.128+142G>T

Gene: STAT3 (signal transducer and activator of transcription 3; minus strand). Cytogenetic location: 17q21.2.
Variant type: single nucleotide variant.
Coding change: c.128+142G>T on transcript NM_139276.3 (MANE Select); 142 bases into the intron after coding-DNA position 128, G replaced by T.
Molecular consequence: intron variant.
Genome position (GRCh38, 1-based): chr17:42,348,247, C>A on the plus strand (G>T on the coding strand, the complement: STAT3 is on the minus strand). VCF-style: chr17-42348247-C-A. GRCh37 (hg19) VCF-style: chr17-40500265-C-A.
Other names: c.128+142G>T (NM_001384989.1, NM_001384992.1, NM_001384984.1 and 17 more transcripts).
Identifiers: ClinVar variation 677148 (VCV000677148.2), dbSNP rs2306581, ClinGen allele CA14378886.
Genomic context (GRCh38, chr17:42,348,247, plus strand): 5'-AAGACAGTTGCCCACATGCCCTTCTAAGATAAAAAAGGCTTTACAAGACCAAAGGGTGCC[C>A]CTTTATCTCCTGATCTCATTTTCCCCATCACCTGTACCCATACATTTTTTAATGGAACAG-3'

ClinVar aggregate classification (germline): Benign. Review status: criteria provided, multiple submitters, no conflicts (2 of 4 stars). 2 submissions from 2 submitters: Benign (2). Last evaluated 2018-06-14.

Allele frequency attached by ClinVar (database versions not stated): gnomAD exomes 0.36976; gnomAD 0.48060 and 0.48566; TOPMed 0.48663; 1000 Genomes Project 0.52276; 1000 Genomes Project 30x 0.52795.
gnomAD v4.1: 483,716 of 1,260,154 alleles (38%); highest among the groups gnomAD compares: African/African-American, 82%; 101,295 homozygotes.

Submissions (2):

GeneDx
Classification: Benign. Last evaluated: 2018-06-14. Review status: criteria provided, single submitter. Criteria: GeneDx Variant Classification (06012015). Collection method: clinical testing. Allele origin: germline. Affected: yes.
Comment: This variant is considered likely benign or benign based on one or more of the following criteria: it is a conservative change, it occurs at a poorly conserved position in the protein, it is predicted to be benign by multiple in silico algorithms, and/or has population frequency not consistent with disease.

Breakthrough Genomics
Classification: Benign. Review status: criteria provided, single submitter. Criteria: ACMG Guidelines, 2015. Collection method: not provided. Allele origin: germline. Inheritance: Autosomal dominant inheritance. Affected: yes.